The following is an entry in ClinVar:

ClinVar aggregate classification (germline): Likely benign (0 of 4 stars; one submission).

Conditions:
ADCY3-related disorder. Also called: ADCY3-related condition.

Allele frequency attached by ClinVar (database versions not stated): TOPMed 0.00006; gnomAD 0.00007; ESP Exome Variant Server 0.00015; 1000 Genomes Project 0.00040; 1000 Genomes Project 30x 0.00047.
gnomAD v4.1: 111 of 1,614,082 alleles (0.0069%); highest among the groups gnomAD compares: Middle Eastern, 0.016%; no homozygotes.

Submission:

PreventionGenetics, part of Exact Sciences
Classification: Likely benign for ADCY3-related condition. Last evaluated: 2020-07-02. Review status: no assertion criteria provided. Collection method: clinical testing. Allele origin: germline.
Comment: This variant is classified as likely benign based on ACMG/AMP sequence variant interpretation guidelines (Richards et al. 2015 PMID: 25741868, with internal and published modifications).

NM_004036.5(ADCY3):c.3051C>T (p.Ala1017=)

Genes: ADCY3 (adenylate cyclase 3; minus strand), CENPO (centromere protein O; plus strand). Cytogenetic location: 2p23.3.
Variant type: single nucleotide variant.
Coding change: c.3051C>T on transcript NM_004036.5 (MANE Select); coding-DNA position 3051, C replaced by T.
Protein change: p.Ala1017=; no amino-acid change (alanine 1017 retained).
Molecular consequence: synonymous variant. On other transcripts: 3 prime UTR variant (3), non-coding transcript variant (3).
Genome position (GRCh38, 1-based): chr2:24,821,593, G>A on the plus strand (C>T on the coding strand, the complement: ADCY3 is on the minus strand). VCF-style: chr2-24821593-G-A. GRCh37 (hg19) VCF-style: chr2-25044462-G-A.
Other names: c.3054C>T, p.Ala1018= (NM_001320613.2); c.3117C>T, p.Ala1039= (NM_001377128.1); c.2913C>T, p.Ala971= (NM_001377129.1); c.2499C>T, p.Ala833= (NM_001377130.1); c.2328C>T, p.Ala776= (NM_001377131.1); c.3051C>T, p.Ala1017= (NM_001377132.1); c.*2275G>A (NM_001199803.3, NM_001322101.2, NM_024322.4).
Identifiers: ClinVar variation 3033953 (VCV003033953.2), dbSNP rs77454507, ClinGen allele CA1553526.